The following is an entry in ClinVar:

NM_001372044.2(SHANK3):c.995+3G>A

Gene: SHANK3 (SH3 and multiple ankyrin repeat domains 3; plus strand). Cytogenetic location: 22q13.33.
Variant type: single nucleotide variant.
Coding change: c.995+3G>A on transcript NM_001372044.2 (MANE Select); 3 bases into the intron after coding-DNA position 995, G replaced by A.
Molecular consequence: intron variant.
Genome position (GRCh38, 1-based): chr22:50,679,189, G>A. VCF-style: chr22-50679189-G-A. GRCh37 (hg19) VCF-style: chr22-51117617-G-A.
Other names: c.768+3G>A (NM_033517.1).
Identifiers: ClinVar variation 1760117 (VCV001760117.2), dbSNP rs1315925932, ClinGen allele CA754122215.

ClinVar aggregate classification (germline): Uncertain significance (1 of 4 stars; one submission).

Conditions:
Inborn genetic diseases. Identifiers: MedGen C0950123, MeSH D030342.

Allele frequency attached by ClinVar (database versions not stated): gnomAD exomes below 0.00001; TOPMed below 0.00001; gnomAD 0.00001.

Submission:

Ambry Genetics
Classification: Uncertain significance for Inborn genetic diseases. Last evaluated: 2018-02-28. Review status: criteria provided, single submitter. Criteria: Ambry Variant Classification Scheme 2023. Collection method: clinical testing. Allele origin: germline.
Comment: The c.768+3G>A intronic variant results from a G to A substitution 3 nucleotides after coding exon 6 in the SHANK3 gene. This nucleotide position is not well conserved in available vertebrate species. Using the BDGP and ESEfinder splice site prediction tools, this alteration is not predicted to have any significant effect on this splice donor site; however, direct evidence is unavailable. Since supporting evidence is limited at this time, the clinical significance of this alteration remains unclear.